The following is an entry in ClinVar:

ClinVar aggregate classification (germline): Uncertain significance (1 of 4 stars; one submission).

Conditions:
Hypertrophic cardiomyopathy 14. Identifiers: MedGen C2750467, MONDO:0013197, OMIM 613251.

Submission:

Labcorp Genetics (formerly Invitae), Labcorp
Classification: Uncertain significance for Hypertrophic cardiomyopathy 14. Last evaluated: 2025-01-30. Review status: criteria provided, single submitter. Criteria: Invitae Variant Classification Sherloc (09022015). Collection method: clinical testing. Allele origin: germline.
Comment: This sequence change replaces histidine, which is basic and polar, with arginine, which is basic and polar, at codon 971 of the MYH6 protein (p.His971Arg). This variant is not present in population databases (gnomAD no frequency). This variant has not been reported in the literature in individuals affected with MYH6-related conditions. Invitae Evidence Modeling of protein sequence and biophysical properties (such as structural, functional, and spatial information, amino acid conservation, physicochemical variation, residue mobility, and thermodynamic stability) indicates that this missense variant is not expected to disrupt MYH6 protein function with a negative predictive value of 80%. In summary, the available evidence is currently insufficient to determine the role of this variant in disease. Therefore, it has been classified as a Variant of Uncertain Significance.

NM_002471.4(MYH6):c.2912A>G (p.His971Arg)

Gene: MYH6 (myosin heavy chain 6; minus strand). Cytogenetic location: 14q11.2.
Variant type: single nucleotide variant.
Coding change: c.2912A>G on transcript NM_002471.4 (MANE Select); coding-DNA position 2912, A replaced by G.
Protein change: p.His971Arg; replaces histidine 971 with arginine.
Molecular consequence: missense variant.
Genome position (GRCh38, 1-based): chr14:23,393,682, T>C on the plus strand (A>G on the coding strand, the complement: MYH6 is on the minus strand). VCF-style: chr14-23393682-T-C. GRCh37 (hg19) VCF-style: chr14-23862891-T-C.
Other names: short protein forms H971R.
Identifiers: ClinVar variation 3715944 (VCV003715944.2).
Genomic context (GRCh38, chr14:23,393,682, plus strand): 5'-GTCTTGAGGAGACCTGGGCTGAAGCCAGAGGGAGCTGCCCTCACCTTGTTCTCTGTTGCA[T>C]GCTTCTCCTTCTCCACCTTGGCCAGTGTCAGCTCCAGGTCATCAATGTCCTTCTTGAGCT-3'
Protein context (NP_002462.2, residues 961-981): LTLAKVEKEK[His971Arg]ATENKVKNLT